The following is an entry in ClinVar:

NM_001197104.2(KMT2A):c.10201G>A (p.Ala3401Thr)

Gene: KMT2A (lysine methyltransferase 2A; plus strand). Cytogenetic location: 11q23.3.
Variant type: single nucleotide variant.
Coding change: c.10201G>A on transcript NM_001197104.2 (MANE Select); coding-DNA position 10201, G replaced by A.
Protein change: p.Ala3401Thr; replaces alanine 3401 with threonine.
Molecular consequence: missense variant.
Genome position (GRCh38, 1-based): chr11:118,506,093, G>A. VCF-style: chr11-118506093-G-A. GRCh37 (hg19) VCF-style: chr11-118376808-G-A.
Other names: c.10291G>A, p.Ala3431Thr (NM_001412597.1); c.10192G>A, p.Ala3398Thr (NM_005933.4); short protein forms A3401T, A3431T, A3398T.
Identifiers: ClinVar variation 2977918 (VCV002977918.3), dbSNP rs781968103, ClinGen allele CA6304702.
Genomic context (GRCh38, chr11:118,506,093, plus strand): 5'-ATAAGCAATCTTTTAATCAAAGCTAGCCAGCAGAGCCTGGGGATTCAGGACCAGCCTGTG[G>A]CTTTACCGCCAAGTTCAGGAATGTTTCCACAACTGGGGACATCACAGACCCCCTCTACTG-3'
Protein context (NP_001184033.1, residues 3391-3411): QSLGIQDQPV[Ala3401Thr]LPPSSGMFPQ

ClinVar aggregate classification (germline): Uncertain significance (1 of 4 stars; one submission).

Allele frequency attached by ClinVar (database versions not stated): gnomAD exomes below 0.00001; TOPMed 0.00001; ExAC 0.00002.
gnomAD v4.1: 6 of 1,614,134 alleles (0.00037%); highest among the groups gnomAD compares: Non-Finnish European, 0.00042%; no homozygotes.

Submission:

Labcorp Genetics (formerly Invitae), Labcorp
Classification: Uncertain significance. Last evaluated: 2023-10-05. Review status: criteria provided, single submitter. Criteria: Invitae Variant Classification Sherloc (09022015). Collection method: clinical testing. Allele origin: germline.
Comment: This sequence change replaces alanine, which is neutral and non-polar, with threonine, which is neutral and polar, at codon 3401 of the KMT2A protein (p.Ala3401Thr). This variant is present in population databases (rs781968103, gnomAD 0.002%). This variant has not been reported in the literature in individuals affected with KMT2A-related conditions. Advanced modeling of protein sequence and biophysical properties (such as structural, functional, and spatial information, amino acid conservation, physicochemical variation, residue mobility, and thermodynamic stability) performed at Invitae indicates that this missense variant is not expected to disrupt KMT2A protein function. In summary, the available evidence is currently insufficient to determine the role of this variant in disease. Therefore, it has been classified as a Variant of Uncertain Significance.